The following is an entry in ClinVar:

NM_000443.4(ABCB4):c.1355C>T (p.Thr452Ile)

Gene: ABCB4 (ATP binding cassette subfamily B member 4; minus strand). Cytogenetic location: 7q21.12.
Variant type: single nucleotide variant.
Coding change: c.1355C>T on transcript NM_000443.4 (MANE Select); coding-DNA position 1355, C replaced by T.
Protein change: p.Thr452Ile; replaces threonine 452 with isoleucine.
Molecular consequence: missense variant.
Genome position (GRCh38, 1-based): chr7:87,443,320, G>A on the plus strand (C>T on the coding strand, the complement: ABCB4 is on the minus strand). VCF-style: chr7-87443320-G-A. GRCh37 (hg19) VCF-style: chr7-87072636-G-A.
Other names: c.1355C>T, p.Thr452Ile (NM_018849.3, NM_018850.3); short protein forms T452I.
Identifiers: ClinVar variation 3365957 (VCV003365957.1).

ClinVar aggregate classification (germline): Uncertain significance (1 of 4 stars; one submission).

Submission:

GeneDx
Classification: Uncertain significance. Last evaluated: 2023-12-19. Review status: criteria provided, single submitter. Criteria: GeneDx Variant Classification Process June 2021. Collection method: clinical testing. Allele origin: germline. Affected: yes.
Comment: Not observed at significant frequency in large population cohorts (gnomAD); In silico analysis supports that this missense variant does not alter protein structure/function; Has not been previously published as pathogenic or benign to our knowledge